The following is an entry in ClinVar:

NM_001267550.2(TTN):c.33611A>C (p.Glu11204Ala)

Gene: TTN (titin; minus strand). Cytogenetic location: 2q31.2.
Variant type: single nucleotide variant.
Coding change: c.33611A>C on transcript NM_001267550.2 (MANE Select); coding-DNA position 33611, A replaced by C.
Protein change: p.Glu11204Ala; replaces glutamic acid 11204 with alanine.
Molecular consequence: missense variant. On other transcripts: intron variant (3).
Genome position (GRCh38, 1-based): chr2:178,679,652, T>G on the plus strand (A>C on the coding strand, the complement: TTN is on the minus strand). VCF-style: chr2-178679652-T-G. GRCh37 (hg19) VCF-style: chr2-179544379-T-G.
Other names: p.Glu10887Ala; c.32660A>C, p.Glu10887Ala (NM_001256850.1); c.29879A>C, p.Glu9960Ala (NM_133378.4); c.13283-37335A>C (NM_003319.4); c.13859-37335A>C (NM_133437.4); c.13658-37335A>C (NM_133432.3); short protein forms E11204A, E9960A, E10887A.
Identifiers: ClinVar variation 691751 (VCV000691751.2), dbSNP rs1202130741, ClinGen allele CA349536432.

ClinVar aggregate classification (germline): Conflicting classifications of pathogenicity. Review status: criteria provided, conflicting classifications (1 of 4 stars). 2 submissions from 2 submitters: Uncertain significance (1); Likely benign (1). Last evaluated 2023-11-01.

Conditions:
Heart failure. Identifiers: MedGen C0018801, MONDO:0005252.

Allele frequency attached by ClinVar (database versions not stated): TOPMed 0.00002.
gnomAD v4.1: 1 of 1,611,418 alleles (0.000062%); highest among the groups gnomAD compares: Non-Finnish European, 0.000085%; no homozygotes.

Submissions (2):

Mayo Clinic Laboratories, Mayo Clinic
Classification: Uncertain significance. Last evaluated: 2023-11-01. Review status: criteria provided, single submitter. Criteria: ACMG Guidelines, 2015. Collection method: clinical testing. Allele origin: germline. Observed: 1 variant allele.
Comment: PM2

Center for Advanced Laboratory Medicine, UC San Diego Health, University of California San Diego
Classification: Likely benign for Heart failure. Last evaluated: 2017-03-14. Review status: criteria provided, single submitter. Criteria: ACMG Guidelines, 2015. Collection method: clinical testing. Allele origin: germline. Affected: yes. Observed: 1 variant allele.